The following is an entry in ClinVar:

ClinVar aggregate classification (germline): Uncertain significance (1 of 4 stars; one submission).

Submission:

Ambry Genetics
Classification: Uncertain significance. Last evaluated: 2023-01-26. Review status: criteria provided, single submitter. Criteria: Ambry Variant Classification Scheme 2023. Collection method: clinical testing. Allele origin: germline.
Comment: The p.L821I variant (also known as c.2461C>A), located in coding exon 15 of the POLQ gene, results from a C to A substitution at nucleotide position 2461. The leucine at codon 821 is replaced by isoleucine, an amino acid with highly similar properties. This amino acid position is conserved. In addition, this alteration is predicted to be tolerated by in silico analysis. Since supporting evidence is limited at this time, the clinical significance of this alteration remains unclear.

NM_199420.4(POLQ):c.2461C>A (p.Leu821Ile)

Gene: POLQ (DNA polymerase theta; minus strand). Cytogenetic location: 3q13.33.
Variant type: single nucleotide variant.
Coding change: c.2461C>A on transcript NM_199420.4 (MANE Select); coding-DNA position 2461, C replaced by A.
Protein change: p.Leu821Ile; replaces leucine 821 with isoleucine.
Molecular consequence: missense variant.
Genome position (GRCh38, 1-based): chr3:121,493,539, G>T on the plus strand (C>A on the coding strand, the complement: POLQ is on the minus strand). VCF-style: chr3-121493539-G-T. GRCh37 (hg19) VCF-style: chr3-121212386-G-T.
Other names: short protein forms L821I.
Identifiers: ClinVar variation 3229884 (VCV003229884.1), dbSNP rs2546790668, ClinGen allele CA354107518.